The following is an entry in ClinVar:

NM_032043.3(BRIP1):c.2542C>T (p.Arg848Cys)

Gene: BRIP1 (BRCA1 interacting DNA helicase 1; minus strand). Cytogenetic location: 17q23.2.
Variant type: single nucleotide variant.
Coding change: c.2542C>T on transcript NM_032043.3 (MANE Select); coding-DNA position 2542, C replaced by T.
Protein change: p.Arg848Cys; replaces arginine 848 with cysteine.
Molecular consequence: missense variant.
Genome position (GRCh38, 1-based): chr17:61,693,463, G>A on the plus strand (C>T on the coding strand, the complement: BRIP1 is on the minus strand). VCF-style: chr17-61693463-G-A. GRCh37 (hg19) VCF-style: chr17-59770824-G-A.
Other names: short protein forms R848C.
Identifiers: ClinVar variation 407850 (VCV000407850.21), dbSNP rs45572934, ClinGen allele CA16615788.

ClinVar aggregate classification (germline): Uncertain significance. Review status: criteria provided, multiple submitters, no conflicts (2 of 4 stars). 6 submissions from 6 submitters: Uncertain significance (6). Last evaluated 2025-09-04.

Conditions:
Familial ovarian cancer. Identifiers: MedGen C5679802, MONDO:0016248.
Familial cancer of breast. Also called: Hereditary breast cancer; hereditary breast carcinoma; BREAST CANCER, FAMILIAL. Identifiers: Orphanet 227535, MedGen C0346153, MONDO:0016419, OMIM 114480. Disease mechanism: loss of function.
Hereditary cancer-predisposing syndrome. Also called: Hereditary neoplastic syndrome; Neoplastic Syndromes, Hereditary; Tumor predisposition; Hereditary Cancer Syndrome. Identifiers: Orphanet 140162, MedGen C0027672, MeSH D009386, MONDO:0015356.
Fanconi anemia complementation group J. Also called: BRIP1-Related Fanconi Anemia. Identifiers: Orphanet 84, MedGen C1836860, MONDO:0012187, OMIM 609054.

gnomAD v4.1: 5 of 1,613,614 alleles (0.00031%); highest among the groups gnomAD compares: East Asian, 0.0022%; no homozygotes.

Submissions (6):

Labcorp Genetics (formerly Invitae), Labcorp
Classification: Uncertain significance for Familial cancer of breast; Fanconi anemia complementation group J. Last evaluated: 2025-09-04. Review status: criteria provided, single submitter. Criteria: Invitae Variant Classification Sherloc (09022015). Collection method: clinical testing. Allele origin: germline.
Comment: This sequence change replaces arginine, which is basic and polar, with cysteine, which is neutral and slightly polar, at codon 848 of the BRIP1 protein (p.Arg848Cys). This variant is not present in population databases (gnomAD no frequency). This missense change has been observed in individual(s) with ovarian cancer (PMID: 30093976, 34326862). ClinVar contains an entry for this variant (Variation ID: 407850). Invitae Evidence Modeling of protein sequence and biophysical properties (such as structural, functional, and spatial information, amino acid conservation, physicochemical variation, residue mobility, and thermodynamic stability) indicates that this missense variant is expected to disrupt BRIP1 protein function with a positive predictive value of 95%. Studies have shown that this missense change is associated with inconclusive levels of altered splicing (internal data). This variant disrupts the p.Arg848 amino acid residue in BRIP1. Other variant(s) that disrupt this residue have been determined to be pathogenic (PMID: 26790966, 27074266, 29368626, 31558676, 33028645). This suggests that this residue is clinically significant, and that variants that disrupt this residue are likely to be disease-causing. In summary, the available evidence is currently insufficient to determine the role of this variant in disease. Therefore, it has been classified as a Variant of Uncertain Significance.

Ambry Genetics
Classification: Uncertain significance for Hereditary cancer-predisposing syndrome. Last evaluated: 2025-08-22. Review status: criteria provided, single submitter. Criteria: Ambry Variant Classification Scheme 2023. Collection method: clinical testing. Allele origin: germline.
Comment: The p.R848C variant (also known as c.2542C>T), located in coding exon 17 of the BRIP1 gene, results from a C to T substitution at nucleotide position 2542. The arginine at codon 848 is replaced by cysteine, an amino acid with highly dissimilar properties. This amino acid position is highly conserved in available vertebrate species. In addition, this alteration is predicted to be deleterious by in silico analysis. Based on the available evidence, the clinical significance of this variant remains unclear.

GeneDx
Classification: Uncertain significance. Last evaluated: 2025-04-04. Review status: criteria provided, single submitter. Criteria: GeneDx Variant Classification Process June 2021. Collection method: clinical testing. Allele origin: germline. Affected: yes.
Comment: Not observed at significant frequency in large population cohorts (gnomAD); In silico analysis supports that this missense variant has a deleterious effect on protein structure/function; In silico analysis is inconclusive as to whether the variant alters gene splicing. In the absence of RNA/functional studies, the actual effect of this sequence change is unknown.; This variant is associated with the following publications: (PMID: 30093976, 34326862, 36243179)

Baylor Genetics
Classification: Uncertain significance for Familial cancer of breast. Last evaluated: 2023-12-31. Review status: criteria provided, single submitter. Criteria: ACMG Guidelines, 2015. Collection method: clinical testing. Allele origin: unknown.

Department of Pathology and Laboratory Medicine, Sinai Health System
Classification: Uncertain significance for familial ovarian cancer. Last evaluated: 2023-03-30. Review status: criteria provided, single submitter. Criteria: ACMG Guidelines, 2015. Collection method: clinical testing. Allele origin: germline. Affected: no.

Quest Diagnostics Nichols Institute San Juan Capistrano
Classification: Uncertain significance. Last evaluated: 2023-02-06. Review status: criteria provided, single submitter. Criteria: Quest Diagnostics criteria. Collection method: clinical testing. Allele origin: unknown.
Comment: It has not been reported in large, multi-ethnic general populations. In the published literature, the variant has been reported in an individual with ovarian cancer (PMID: 30093976 (2018)). In a large-scale breast cancer association study, the variant was observed in individuals with breast cancer as well as in an unaffected individual (PMID: 33471991 (2021), see also LOVD). Analysis of this variant using bioinformatics tools for the prediction of the effect of amino acid changes on protein structure and function yielded conflicting predictions that this variant is benign or damaging. Based on the available information, we are unable to determine the clinical significance of this variant.

Literature cited by the submitters: PubMed 30093976 (cited by 3 submitters); PubMed 34326862 (cited by Labcorp Genetics (formerly Invitae), Labcorp); PubMed 26790966 (cited by Labcorp Genetics (formerly Invitae), Labcorp); PubMed 27074266 (cited by Labcorp Genetics (formerly Invitae), Labcorp); PubMed 29368626 (cited by Labcorp Genetics (formerly Invitae), Labcorp); PubMed 31558676 (cited by Labcorp Genetics (formerly Invitae), Labcorp); PubMed 33028645 (cited by Labcorp Genetics (formerly Invitae), Labcorp); PubMed 26921362 (cited by Department of Pathology and Laboratory Medicine, Sinai Health System); PubMed 33471991 (cited by Quest Diagnostics Nichols Institute San Juan Capistrano).